The following is an entry in ClinVar:

NM_000344.4(SMN1):c.267A>G (p.Leu89=)

Gene: SMN1 (survival of motor neuron 1, telomeric). Cytogenetic location: 5q13.2.
Variant type: single nucleotide variant.
Coding change: c.267A>G on transcript NM_000344.4 (MANE Select); coding-DNA position 267, A replaced by G.
Protein change: p.Leu89=; no amino-acid change (leucine 89 retained).
Molecular consequence: synonymous variant.
Genome position (GRCh38, 1-based): chr5:70,941,502, A>G. VCF-style: chr5-70941502-A-G. GRCh37 (hg19) VCF-style: chr5-70237329-A-G.
Other names: c.267A>G, p.Leu89= (NM_001297715.1, NM_022874.2).
Identifiers: ClinVar variation 5020564 (VCV005020564.1).

ClinVar aggregate classification (germline): Uncertain significance (1 of 4 stars; one submission).

Submission:

Dasa
Classification: Uncertain significance. Last evaluated: 2026-05-15. Review status: criteria provided, single submitter. Criteria: DASA Assertion Criteria. Collection method: clinical testing. Allele origin: germline.
Comment: NM_000344.4(SMN1):c.267A>G (p.Leu89=) is a synonymous variant predicted not to alter the encoded amino acid sequence. This variant is absent from population databases. The currently available literature and clinical evidence are not sufficient to establish a definitive association between this variant and the reported condition. Therefore, this variant is classified as a variant of uncertain significance.